The following is an entry in ClinVar:

NM_007294.4(BRCA1):c.1358A>C (p.Glu453Ala)

Gene: BRCA1 (BRCA1 DNA repair associated; minus strand). Cytogenetic location: 17q21.31.
Variant type: single nucleotide variant.
Coding change: c.1358A>C on transcript NM_007294.4 (MANE Select); coding-DNA position 1358, A replaced by C.
Protein change: p.Glu453Ala; replaces glutamic acid 453 with alanine.
Molecular consequence: missense variant. On other transcripts: intron variant (137).
Genome position (GRCh38, 1-based): chr17:43,094,173, T>G on the plus strand (A>C on the coding strand, the complement: BRCA1 is on the minus strand). VCF-style: chr17-43094173-T-G. GRCh37 (hg19) VCF-style: chr17-41246190-T-G.
Other names: c.1358A>C, p.Glu453Ala (NM_001407625.1, NM_001407626.1, NM_001407639.1 and 30 more transcripts); c.1355A>C, p.Glu452Ala (NM_001407627.1, NM_001407628.1, NM_001407629.1 and 22 more transcripts); c.1349A>C, p.Glu450Ala (NM_001407646.1, NM_001407647.1); c.1235A>C, p.Glu412Ala (NM_001407648.1, NM_001407664.1, NM_001407665.1 and 19 more transcripts); c.1232A>C, p.Glu411Ala (NM_001407649.1, NM_001407670.1, NM_001407671.1 and 11 more transcripts); c.1280A>C, p.Glu427Ala (NM_001407653.1, NM_001407654.1, NM_001407655.1 and 4 more transcripts); c.1277A>C, p.Glu426Ala (NM_001407659.1, NM_001407660.1, NM_001407661.1 and 1 more transcripts); c.1217A>C, p.Glu406Ala (NM_001407692.1, NM_001407694.1, NM_001407695.1 and 29 more transcripts); and 40 more; short protein forms E406A, E453A, E341A, E365A, E452A, E157A, E325A, E364A.
Identifiers: ClinVar variation 1025124 (VCV001025124.15), dbSNP rs1567799925, ClinGen allele CA10599336.

ClinVar aggregate classification (germline): Conflicting classifications of pathogenicity. Review status: criteria provided, conflicting classifications (1 of 4 stars). 3 submissions from 3 submitters: Uncertain significance (2); Likely benign (1). Last evaluated 2024-04-04.

Conditions:
Hereditary cancer-predisposing syndrome. Also called: Hereditary Cancer Syndrome; Neoplastic Syndromes, Hereditary; Tumor predisposition; Hereditary neoplastic syndrome. Identifiers: Orphanet 140162, MedGen C0027672, MeSH D009386, MONDO:0015356.
Hereditary breast ovarian cancer syndrome. Also called: Breast and ovarian cancer; Hereditary breast and ovarian cancer syndrome (HBOC); Hereditary breast and ovarian cancer; Hereditary breast and/or ovarian cancer syndrome; BRCA1- and BRCA2-Associated Hereditary Breast and Ovarian Cancer; Hereditary breast and ovarian cancer syndrome. Identifiers: Orphanet 145, MedGen C0677776, MeSH D061325, MONDO:0003582. Disease mechanism: loss of function.

Submissions (3):

Ambry Genetics
Classification: Uncertain significance for Hereditary cancer-predisposing syndrome. Last evaluated: 2024-04-04. Review status: criteria provided, single submitter. Criteria: Ambry Variant Classification Scheme 2023. Collection method: clinical testing. Allele origin: germline.
Comment: The p.E453A variant (also known as c.1358A>C), located in coding exon 9 of the BRCA1 gene, results from an A to C substitution at nucleotide position 1358. The glutamic acid at codon 453 is replaced by alanine, an amino acid with dissimilar properties. This amino acid position is not well conserved in available vertebrate species. In addition, the in silico prediction for this alteration is inconclusive. Since supporting evidence is limited at this time, the clinical significance of this alteration remains unclear.

University of Washington Department of Laboratory Medicine, University of Washington
Classification: Likely benign for Hereditary cancer-predisposing syndrome. Last evaluated: 2023-03-23. Review status: criteria provided, single submitter. Criteria: Dines et al. (Genet Med. 2020). Collection method: curation. Allele origin: germline.
Comment: Missense variant in a coldspot region where missense variants are very unlikely to be pathogenic (PMID:31911673).

BRCA1 coldspot (exon 11 using historical exon numbering). Reclassification based on statistical prior probability

Labcorp Genetics (formerly Invitae), Labcorp
Classification: Uncertain significance for Hereditary breast ovarian cancer syndrome. Last evaluated: 2020-08-31. Review status: criteria provided, single submitter. Criteria: Invitae Variant Classification Sherloc (09022015). Collection method: clinical testing. Allele origin: germline.
Comment: In summary, the available evidence is currently insufficient to determine the role of this variant in disease. Therefore, it has been classified as a Variant of Uncertain Significance. Advanced modeling of protein sequence and biophysical properties (such as structural, functional, and spatial information, amino acid conservation, physicochemical variation, residue mobility, and thermodynamic stability) performed at Invitae indicates that this missense variant is not expected to disrupt BRCA1 protein function. This variant has not been reported in the literature in individuals with BRCA1-related conditions. This variant is not present in population databases (ExAC no frequency). This sequence change replaces glutamic acid with alanine at codon 453 of the BRCA1 protein (p.Glu453Ala). The glutamic acid residue is moderately conserved and there is a moderate physicochemical difference between glutamic acid and alanine.